The following is an entry in ClinVar:

NM_000085.5(CLCNKB):c.1471G>C (p.Val491Leu)

Genes: CLCNKB (chloride voltage-gated channel Kb; plus strand), LOC106501713 (CLCNKB recombination region; plus strand). Cytogenetic location: 1p36.13.
Variant type: single nucleotide variant.
Coding change: c.1471G>C on transcript NM_000085.5 (MANE Select); coding-DNA position 1471, G replaced by C.
Protein change: p.Val491Leu; replaces valine 491 with leucine.
Molecular consequence: missense variant.
Genome position (GRCh38, 1-based): chr1:16,052,260, G>C. VCF-style: chr1-16052260-G-C. GRCh37 (hg19) VCF-style: chr1-16378755-G-C.
Other names: c.964G>C, p.Val322Leu (NM_001165945.2); c.1471G>C (NM_000085.3); short protein forms V322L, V491L.
Identifiers: ClinVar variation 1960639 (VCV001960639.6), dbSNP rs773629445, ClinGen allele CA623888.

ClinVar aggregate classification (germline): Conflicting classifications of pathogenicity. Review status: criteria provided, conflicting classifications (1 of 4 stars). 3 submissions from 3 submitters: Uncertain significance (2); Likely benign (1). Last evaluated 2024-10-25.

Conditions:
Bartter disease type 3. Also called: Bartter syndrome type 3. Identifiers: Orphanet 112, Orphanet 93605, MedGen C1846343, MONDO:0011822, OMIM 607364.
Bartter disease type 4B. Also called: BARTTER SYNDROME, TYPE 4B, NEONATAL, WITH SENSORINEURAL DEAFNESS; Bartter syndrome, type 4b, digenic; BARTTER SYNDROME, TYPE 4B. Identifiers: Orphanet 112, MedGen C4310805, MONDO:0000909, OMIM 613090.
Inborn genetic diseases. Identifiers: MedGen C0950123, MeSH D030342.

Allele frequency attached by ClinVar (database versions not stated): 1000 Genomes Project 30x 0.00031.
gnomAD v4.1: 110 of 1,613,302 alleles (0.0068%); highest among the groups gnomAD compares: African/African-American, 0.037%; no homozygotes.

Submissions (3):

Ambry Genetics
Classification: Likely benign for Inborn genetic diseases. Last evaluated: 2024-10-25. Review status: criteria provided, single submitter. Criteria: Ambry Variant Classification Scheme 2023. Collection method: clinical testing. Allele origin: germline.

Fulgent Genetics
Classification: Uncertain significance for Bartter disease type 3; Bartter disease type 4B. Last evaluated: 2024-06-17. Review status: criteria provided, single submitter. Criteria: ACMG Guidelines, 2015. Collection method: clinical testing. Allele origin: germline.

Labcorp Genetics (formerly Invitae), Labcorp
Classification: Uncertain significance. Last evaluated: 2021-12-28. Review status: criteria provided, single submitter. Criteria: Invitae Variant Classification Sherloc (09022015). Collection method: clinical testing. Allele origin: germline.
Comment: In summary, the available evidence is currently insufficient to determine the role of this variant in disease. Therefore, it has been classified as a Variant of Uncertain Significance. Advanced modeling of protein sequence and biophysical properties (such as structural, functional, and spatial information, amino acid conservation, physicochemical variation, residue mobility, and thermodynamic stability) performed at Invitae indicates that this missense variant is not expected to disrupt CLCNKB protein function. This variant has not been reported in the literature in individuals affected with CLCNKB-related conditions. The frequency data for this variant in the population databases is considered unreliable, as metrics indicate poor data quality at this position in the gnomAD database. This sequence change replaces valine, which is neutral and non-polar, with leucine, which is neutral and non-polar, at codon 491 of the CLCNKB protein (p.Val491Leu).